The following is an entry in ClinVar:

NM_001042492.3(NF1):c.3274G>A (p.Gly1092Ser)

Gene: NF1 (neurofibromin 1; plus strand). Cytogenetic location: 17q11.2.
Variant type: single nucleotide variant.
Coding change: c.3274G>A on transcript NM_001042492.3 (MANE Select); coding-DNA position 3274, G replaced by A.
Protein change: p.Gly1092Ser; replaces glycine 1092 with serine.
Molecular consequence: missense variant.
Genome position (GRCh38, 1-based): chr17:31,232,149, G>A. VCF-style: chr17-31232149-G-A. GRCh37 (hg19) VCF-style: chr17-29559167-G-A.
Other names: c.3274G>A, p.Gly1092Ser (NM_000267.4); short protein forms G1092S.
Identifiers: ClinVar variation 573545 (VCV000573545.8), dbSNP rs1457169236, ClinGen allele CA398988850.

ClinVar aggregate classification (germline): Uncertain significance. Review status: criteria provided, multiple submitters, no conflicts (2 of 4 stars). 2 submissions from 2 submitters: Uncertain significance (2). Last evaluated 2021-01-27.

Conditions:
Cardiovascular phenotype. Identifiers: MedGen CN230736.
Hereditary cancer-predisposing syndrome. Also called: Hereditary neoplastic syndrome; Neoplastic Syndromes, Hereditary; Hereditary Cancer Syndrome; Tumor predisposition. Identifiers: Orphanet 140162, MedGen C0027672, MeSH D009386, MONDO:0015356.
Neurofibromatosis, type 1 (NF1). Also called: Peripheral type neurofibromatosis; VON RECKLINGHAUSEN DISEASE; Neurofibromatosis, type I; NEUROFIBROMATOSIS, TYPE I, SOMATIC. Identifiers: Orphanet 636, MedGen C0027831, MONDO:0018975, OMIM 162200. Disease mechanism: loss of function.

Submissions (2):

Ambry Genetics
Classification: Uncertain significance for Cardiovascular phenotype; Hereditary cancer-predisposing syndrome. Last evaluated: 2021-01-27. Review status: criteria provided, single submitter. Criteria: Ambry Variant Classification Scheme 2023. Collection method: clinical testing. Allele origin: germline.
Comment: The p.G1092S variant (also known as c.3274G>A), located in coding exon 25 of the NF1 gene, results from a G to A substitution at nucleotide position 3274. The glycine at codon 1092 is replaced by serine, an amino acid with similar properties. This amino acid position is highly conserved in available vertebrate species. In addition, the in silico prediction for this alteration is inconclusive. Since supporting evidence is limited at this time, the clinical significance of this alteration remains unclear.

Labcorp Genetics (formerly Invitae), Labcorp
Classification: Uncertain significance for Neurofibromatosis, type 1. Last evaluated: 2018-01-30. Review status: criteria provided, single submitter. Criteria: Invitae Variant Classification Sherloc (09022015). Collection method: clinical testing. Allele origin: germline.
Comment: In summary, the available evidence is currently insufficient to determine the role of this variant in disease. Therefore, it has been classified as a Variant of Uncertain Significance. Algorithms developed to predict the effect of missense changes on protein structure and function do not agree on the potential impact of this missense change (SIFT: "Tolerated"; PolyPhen-2: "Probably Damaging"; Align-GVGD: "Class C0"). This variant has not been reported in the literature in individuals with NF1-related disease. This variant is not present in population databases (ExAC no frequency). This sequence change replaces glycine with serine at codon 1092 of the NF1 protein (p.Gly1092Ser). The glycine residue is moderately conserved and there is a small physicochemical difference between glycine and serine.